The following is an entry in ClinVar:

ClinVar aggregate classification (germline): Uncertain significance (1 of 4 stars; one submission).

Conditions:
Inborn genetic diseases. Identifiers: MedGen C0950123, MeSH D030342.

gnomAD v4.1: 2 of 1,487,650 alleles (0.00013%); highest among the groups gnomAD compares: Non-Finnish European, 0.000089%; no homozygotes.

Submission:

Ambry Genetics
Classification: Uncertain significance for Inborn genetic diseases. Last evaluated: 2026-03-06. Review status: criteria provided, single submitter. Criteria: Ambry Variant Classification Scheme 2023. Collection method: clinical testing. Allele origin: germline.
Comment: The p.A113S variant (also known as c.337G>T), located in coding exon 1 of the WT1 gene, results from a G to T substitution at nucleotide position 337. The alanine at codon 113 is replaced by serine, an amino acid with similar properties. This amino acid position is conserved. In addition, this alteration is predicted to be tolerated by in silico analysis. Based on the available evidence, the clinical significance of this variant remains unclear.

NM_024426.6(WT1):c.352G>T (p.Ala118Ser)

Genes: WT1 (WT1 transcription factor; minus strand), LOC107982234 (WT1/WT1-AS bi-directional promoter region; plus strand). Cytogenetic location: 11p13.
Variant type: single nucleotide variant.
Coding change: c.352G>T on transcript NM_024426.6 (MANE Select); coding-DNA position 352, G replaced by T.
Protein change: p.Ala118Ser; replaces alanine 118 with serine.
Molecular consequence: missense variant. On other transcripts: non-coding transcript variant (2).
Genome position (GRCh38, 1-based): chr11:32,435,009, C>A on the plus strand (G>T on the coding strand, the complement: WT1 is on the minus strand). VCF-style: chr11-32435009-C-A. GRCh37 (hg19) VCF-style: chr11-32456555-C-A.
Other names: c.133G>T, p.Ala45Ser (NM_001429032.1, NM_001429033.1, NM_001429034.1 and 1 more transcripts); c.352G>T, p.Ala118Ser (NM_024424.5, NM_000378.6, NM_001407044.1 and 6 more transcripts); short protein forms A118S, A45S, A113S.
Identifiers: ClinVar variation 4827528 (VCV004827528.1).